The following is an entry in ClinVar:

NM_003764.4(STX11):c.428T>C (p.Met143Thr)

Gene: STX11 (syntaxin 11; plus strand). Cytogenetic location: 6q24.2.
Variant type: single nucleotide variant.
Coding change: c.428T>C on transcript NM_003764.4 (MANE Select); coding-DNA position 428, T replaced by C.
Protein change: p.Met143Thr; replaces methionine 143 with threonine.
Molecular consequence: missense variant.
Genome position (GRCh38, 1-based): chr6:144,187,055, T>C. VCF-style: chr6-144187055-T-C. GRCh37 (hg19) VCF-style: chr6-144508192-T-C.
Other names: c.428T>C (NM_003764.3); short protein forms M143T.
Identifiers: ClinVar variation 1488289 (VCV001488289.7), dbSNP rs137981428, ClinGen allele CA4031708.
Genomic context (GRCh38, chr6:144,187,055, plus strand): 5'-CAGTGGCGCGCATTTCGCGGGCGCAGTACAACGCGCTCACCCTCACCTTCCAGCGCGCCA[T>C]GCACGACTACAACCAGGCCGAGATGAAGCAGCGCGACAACTGCAAGATCCGCATCCAGCG-3'
Protein context (NP_003755.2, residues 133-153): NALTLTFQRA[Met143Thr]HDYNQAEMKQ

ClinVar aggregate classification (germline): Uncertain significance. Review status: criteria provided, multiple submitters, no conflicts (2 of 4 stars). 2 submissions from 2 submitters: Uncertain significance (2). Last evaluated 2025-11-26.

Conditions:
Inborn genetic diseases. Identifiers: MedGen C0950123, MeSH D030342.
Familial hemophagocytic lymphohistiocytosis 4 (FHL4). Also called: STX11-Related Familial Hemophagocytic Lymphohistiocytosis (STX11-fHLH). Identifiers: Orphanet 540, MedGen C1863728, MONDO:0011336, OMIM 603552.

Allele frequency attached by ClinVar (database versions not stated): gnomAD exomes below 0.00001 and 0.00001; ExAC 0.00001; gnomAD 0.00002 and 0.00004; TOPMed 0.00005; ESP Exome Variant Server 0.00008.

Submissions (2):

Ambry Genetics
Classification: Uncertain significance for Inborn genetic diseases. Last evaluated: 2025-11-26. Review status: criteria provided, single submitter. Criteria: Ambry Variant Classification Scheme 2023. Collection method: clinical testing. Allele origin: germline.

Labcorp Genetics (formerly Invitae), Labcorp
Classification: Uncertain significance for Familial hemophagocytic lymphohistiocytosis 4. Last evaluated: 2021-09-01. Review status: criteria provided, single submitter. Criteria: Invitae Variant Classification Sherloc (09022015). Collection method: clinical testing. Allele origin: germline.
Comment: This sequence change replaces methionine with threonine at codon 143 of the STX11 protein (p.Met143Thr). The methionine residue is moderately conserved and there is a moderate physicochemical difference between methionine and threonine. This variant is present in population databases (rs137981428, ExAC 0.01%). This variant has not been reported in the literature in individuals affected with STX11-related conditions. Algorithms developed to predict the effect of missense changes on protein structure and function are either unavailable or do not agree on the potential impact of this missense change (SIFT: "Tolerated"; PolyPhen-2: "Possibly Damaging"; Align-GVGD: "Class C15"). In summary, the available evidence is currently insufficient to determine the role of this variant in disease. Therefore, it has been classified as a Variant of Uncertain Significance.